The following is an entry in ClinVar:

ClinVar aggregate classification (germline): Conflicting classifications of pathogenicity. Review status: criteria provided, conflicting classifications (1 of 4 stars). 2 submissions from 2 submitters: Uncertain significance (1); Likely benign (1). Last evaluated 2025-06-02.

Conditions:
Focal segmental glomerulosclerosis 5 (FSGS5). Identifiers: Orphanet 656, MedGen C2750475, MONDO:0013191, OMIM 613237.
Charcot-Marie-Tooth disease dominant intermediate E. Also called: CHARCOT-MARIE-TOOTH NEUROPATHY WITH FOCAL SEGMENTAL GLOMERULONEPHRITIS. Identifiers: Orphanet 93114, MedGen C4302667, MONDO:0013758, OMIM 614455.
Inborn genetic diseases. Identifiers: MedGen C0950123, MeSH D030342.

Submissions (2):

Labcorp Genetics (formerly Invitae), Labcorp
Classification: Uncertain significance for Charcot-Marie-Tooth disease dominant intermediate E; Focal segmental glomerulosclerosis 5. Last evaluated: 2025-06-02. Review status: criteria provided, single submitter. Criteria: Invitae Variant Classification Sherloc (09022015). Collection method: clinical testing. Allele origin: germline.
Comment: This sequence change replaces arginine, which is basic and polar, with proline, which is neutral and non-polar, at codon 622 of the INF2 protein (p.Arg622Pro). This variant is not present in population databases (gnomAD no frequency). This variant has not been reported in the literature in individuals affected with INF2-related conditions. ClinVar contains an entry for this variant (Variation ID: 1781574). Invitae Evidence Modeling of protein sequence and biophysical properties (such as structural, functional, and spatial information, amino acid conservation, physicochemical variation, residue mobility, and thermodynamic stability) indicates that this missense variant is not expected to disrupt INF2 protein function with a negative predictive value of 95%. In summary, the available evidence is currently insufficient to determine the role of this variant in disease. Therefore, it has been classified as a Variant of Uncertain Significance.

Ambry Genetics
Classification: Likely benign for Inborn genetic diseases. Last evaluated: 2020-08-27. Review status: criteria provided, single submitter. Criteria: Ambry Variant Classification Scheme 2023. Collection method: clinical testing. Allele origin: germline.

NM_022489.4(INF2):c.1865G>C (p.Arg622Pro)

Gene: INF2 (inverted formin 2; plus strand). Cytogenetic location: 14q32.33.
Variant type: single nucleotide variant.
Coding change: c.1865G>C on transcript NM_022489.4 (MANE Select); coding-DNA position 1865, G replaced by C.
Protein change: p.Arg622Pro; replaces arginine 622 with proline.
Molecular consequence: missense variant.
Genome position (GRCh38, 1-based): chr14:104,708,565, G>C. VCF-style: chr14-104708565-G-C. GRCh37 (hg19) VCF-style: chr14-105174902-G-C.
Other names: c.1865G>C, p.Arg622Pro (NM_001031714.4); short protein forms R622P.
Identifiers: ClinVar variation 1781574 (VCV001781574.5), dbSNP rs200155666, ClinGen allele CA391218840.
Genomic context (GRCh38, chr14:104,708,565, plus strand): 5'-TCGAGCGACTATTCTCCTTCCCTGCAGCCAAGCCCAAGGAGCCCACCATGGTGGCCCCCC[G>C]GGCCAGGAAGGAGCCCAAGGAGGTGGGGACGGGGAGGGGACTCAGACCGGGGCCGCCTGC-3'
Protein context (NP_071934.3, residues 612-632): KPKEPTMVAP[Arg622Pro]ARKEPKEITF